The following is an entry in ClinVar:

ClinVar aggregate classification (germline): Likely benign. Review status: criteria provided, multiple submitters, no conflicts (2 of 4 stars). 3 submissions from 3 submitters: Likely benign (3). Last evaluated 2025-03-26.

Allele frequency attached by ClinVar (database versions not stated): gnomAD 0.00016 and 0.00017; ExAC 0.00017; TOPMed 0.00013; ESP Exome Variant Server 0.00015; gnomAD exomes 0.00020 and 0.00021.
gnomAD v4.1: 304 of 1,613,940 alleles (0.019%); highest among the groups gnomAD compares: Non-Finnish European, 0.021%; no homozygotes.

Submissions (3):

Labcorp Genetics (formerly Invitae), Labcorp
Classification: Likely benign. Last evaluated: 2025-03-26. Review status: criteria provided, single submitter. Criteria: Invitae Variant Classification Sherloc (09022015). Collection method: clinical testing. Allele origin: germline.

Blueprint Genetics
Classification: Likely benign. Last evaluated: 2024-09-23. Review status: criteria provided, single submitter. Criteria: ACMG Guidelines, 2015. Collection method: clinical testing. Allele origin: germline.

GeneDx
Classification: Likely benign. Last evaluated: 2018-03-16. Review status: criteria provided, single submitter. Criteria: GeneDx Variant Classification (06012015). Collection method: clinical testing. Allele origin: germline. Affected: yes.
Comment: This variant is considered likely benign or benign based on one or more of the following criteria: it is a conservative change, it occurs at a poorly conserved position in the protein, it is predicted to be benign by multiple in silico algorithms, and/or has population frequency not consistent with disease.

NM_020745.4(AARS2):c.2683-9G>A

Gene: AARS2 (alanyl-tRNA synthetase 2, mitochondrial; minus strand). Cytogenetic location: 6p21.1.
Variant type: single nucleotide variant.
Coding change: c.2683-9G>A on transcript NM_020745.4 (MANE Select); 9 bases into the intron before coding-DNA position 2683, G replaced by A.
Molecular consequence: intron variant.
Genome position (GRCh38, 1-based): chr6:44,301,275, C>T on the plus strand (G>A on the coding strand, the complement: AARS2 is on the minus strand). VCF-style: chr6-44301275-C-T. GRCh37 (hg19) VCF-style: chr6-44269012-C-T.
Identifiers: ClinVar variation 680171 (VCV000680171.3), dbSNP rs368363224, ClinGen allele CA3833867.